The following is an entry in ClinVar:

NM_001172509.2(SATB2):c.391G>C (p.Val131Leu)

Gene: SATB2 (SATB homeobox 2; minus strand). Cytogenetic location: 2q33.1.
Variant type: single nucleotide variant.
Coding change: c.391G>C on transcript NM_001172509.2 (MANE Select); coding-DNA position 391, G replaced by C.
Protein change: p.Val131Leu; replaces valine 131 with leucine.
Molecular consequence: missense variant.
Genome position (GRCh38, 1-based): chr2:199,381,776, C>G on the plus strand (G>C on the coding strand, the complement: SATB2 is on the minus strand). VCF-style: chr2-199381776-C-G. GRCh37 (hg19) VCF-style: chr2-200246499-C-G.
Other names: c.391G>C, p.Val131Leu (NM_001172517.1, NM_015265.4); short protein forms V131L.
Identifiers: ClinVar variation 1026820 (VCV001026820.11), dbSNP rs1689785051, ClinGen allele CA350389206.
Genomic context (GRCh38, chr2:199,381,776, plus strand): 5'-TCACAACATGATAGACATCTTGTAGCATGTCGGCCACTGTCGCGTCGGGTGCATCTGTCA[C>G]ATAACTGAGGGGGAGAGGGTTCCACCTTCCCAGCTTGATTATTCCTGCACAGGGAAGAAA-3'
Protein context (NP_001165980.1, residues 121-141): GRWNPLPLSY[Val131Leu]TDAPDATVAD

ClinVar aggregate classification (germline): Uncertain significance. Review status: criteria provided, multiple submitters, no conflicts (2 of 4 stars). 2 submissions from 2 submitters: Uncertain significance (2). Last evaluated 2025-06-04.

Conditions:
Chromosome 2q32-q33 deletion syndrome (GLASS). Also called: Glass syndrome; 2q33.1 deletion syndrome. Identifiers: Orphanet 251019, MedGen C2676739, MONDO:0012864, OMIM 612313.

Allele frequency attached by ClinVar (database versions not stated): gnomAD 0.00001.
gnomAD v4.1: 1 of 1,614,004 alleles (0.000062%); highest among the groups gnomAD compares: African/African-American, 0.0013%; no homozygotes.

Submissions (2):

Dasa
Classification: Uncertain significance. Last evaluated: 2025-06-04. Review status: criteria provided, single submitter. Criteria: DASA Assertion Criteria. Collection method: clinical testing. Allele origin: germline.
Comment: NM_001172509.2(SATB2):c.391G>C (p.Val131Leu) is a missense variant that results in the substitution of valine with leucine. This variant is rare in population databases. Computational prediction algorithms are consistent with a benign effect. The currently available literature and clinical evidence are not sufficient to establish a definitive association between this variant and the reported condition. Therefore, this variant is classified as a variant of uncertain significance.

Labcorp Genetics (formerly Invitae), Labcorp
Classification: Uncertain significance for Chromosome 2q32-q33 deletion syndrome. Last evaluated: 2025-02-17. Review status: criteria provided, single submitter. Criteria: Invitae Variant Classification Sherloc (09022015). Collection method: clinical testing. Allele origin: germline.
Comment: This sequence change replaces valine, which is neutral and non-polar, with leucine, which is neutral and non-polar, at codon 131 of the SATB2 protein (p.Val131Leu). This variant is not present in population databases (gnomAD no frequency). This variant has not been reported in the literature in individuals affected with SATB2-related conditions. ClinVar contains an entry for this variant (Variation ID: 1026820). Invitae Evidence Modeling incorporating data from in vitro experimental studies (internal data) indicates that this missense variant is not expected to disrupt SATB2 function with a negative predictive value of 95%. This variant disrupts the p.Val131 amino acid residue in SATB2. Other variant(s) that disrupt this residue have been determined to be pathogenic (PMID: 29436146). This suggests that this residue is clinically significant, and that variants that disrupt this residue are likely to be disease-causing. In summary, the available evidence is currently insufficient to determine the role of this variant in disease. Therefore, it has been classified as a Variant of Uncertain Significance.

Literature cited by the submitters: PubMed 29436146 (cited by Labcorp Genetics (formerly Invitae), Labcorp).